The following is an entry in ClinVar:

NM_018089.3(ANKZF1):c.763C>T (p.Pro255Ser)

Gene: ANKZF1 (ankyrin repeat and zinc finger peptidyl tRNA hydrolase 1; plus strand). Cytogenetic location: 2q35.
Variant type: single nucleotide variant.
Coding change: c.763C>T on transcript NM_018089.3 (MANE Select); coding-DNA position 763, C replaced by T.
Protein change: p.Pro255Ser; replaces proline 255 with serine.
Molecular consequence: missense variant.
Genome position (GRCh38, 1-based): chr2:219,233,377, C>T. VCF-style: chr2-219233377-C-T. GRCh37 (hg19) VCF-style: chr2-220098099-C-T.
Other names: c.763C>T, p.Pro255Ser (NM_001042410.2); c.133C>T, p.Pro45Ser (NM_001282792.2); short protein forms P255S, P45S.
Identifiers: ClinVar variation 3628664 (VCV003628664.2).
Genomic context (GRCh38, chr2:219,233,377, plus strand): 5'-CGCTATACGGTTCGGGCCAAGCGGGGCACAGCCCAGGGGCTTCGGGATGCCCGAGGTGGG[C>T]CATCACACTCTGCTGGAGCCAACCTGAGGCGCTACAATGAAGCCACACTATATAAGGTGA-3'
Protein context (NP_060559.2, residues 245-265): AQGLRDARGG[Pro255Ser]SHSAGANLRR

ClinVar aggregate classification (germline): Uncertain significance (1 of 4 stars; one submission).

gnomAD v4.1: 1 of 1,614,190 alleles (0.000062%); highest among the groups gnomAD compares: East Asian, 0.0022%; no homozygotes.

Submission:

Labcorp Genetics (formerly Invitae), Labcorp
Classification: Uncertain significance. Last evaluated: 2024-06-02. Review status: criteria provided, single submitter. Criteria: Invitae Variant Classification Sherloc (09022015). Collection method: clinical testing. Allele origin: germline.
Comment: This sequence change replaces proline, which is neutral and non-polar, with serine, which is neutral and polar, at codon 255 of the ANKZF1 protein (p.Pro255Ser). This variant is present in population databases (no rsID available, gnomAD 0.006%). This variant has not been reported in the literature in individuals affected with ANKZF1-related conditions. An algorithm developed to predict the effect of missense changes on protein structure and function (PolyPhen-2) suggests that this variant is likely to be tolerated. In summary, the available evidence is currently insufficient to determine the role of this variant in disease. Therefore, it has been classified as a Variant of Uncertain Significance.